The following is an entry in ClinVar:

NM_006892.4(DNMT3B):c.813+8C>T

Gene: DNMT3B (DNA methyltransferase 3 beta; plus strand). Cytogenetic location: 20q11.21.
Variant type: single nucleotide variant.
Coding change: c.813+8C>T on transcript NM_006892.4 (MANE Select); 8 bases into the intron after coding-DNA position 813, C replaced by T.
Molecular consequence: intron variant.
Genome position (GRCh38, 1-based): chr20:32,789,020, C>T. VCF-style: chr20-32789020-C-T. GRCh37 (hg19) VCF-style: chr20-31376826-C-T.
Other names: c.813+8C>T (NM_175848.2, NM_175849.2); c.687+8C>T (NM_001207055.2); c.585+8C>T (NM_001207056.2); c.849+8C>T (NM_175850.3).
Identifiers: ClinVar variation 715699 (VCV000715699.14), dbSNP rs370526016, ClinGen allele CA9810313.

ClinVar aggregate classification (germline): Likely benign. Review status: criteria provided, multiple submitters, no conflicts (2 of 4 stars). 3 submissions from 3 submitters: Likely benign (2). 1 of the submissions does not count toward it. Last evaluated 2026-01-27.

Conditions:
DNMT3B-related disorder. Also called: DNMT3B-related condition.
Centromeric instability of chromosomes 1,9 and 16 and immunodeficiency (ICF1). Also called: CENTROMERIC INSTABILITY, IMMUNODEFICIENCY SYNDROME; IMMUNE DEFICIENCY, VARIABLE, WITH CENTROMERIC INSTABILITY OF CHROMOSOMES 1, 9, AND 16; IMMUNODEFICIENCY SYNDROME, VARIABLE; Immunodeficiency-centromeric instability-facial anomalies. Identifiers: Orphanet 2268, MedGen C0398788, MONDO:0000133.

Allele frequency attached by ClinVar (database versions not stated): gnomAD exomes 0.00007 and 0.00020; ESP Exome Variant Server 0.00031; ExAC 0.00032; TOPMed 0.00037; gnomAD 0.00048; 1000 Genomes Project 30x 0.00062; 1000 Genomes Project 0.00080.
gnomAD v4.1: 179 of 1,613,668 alleles (0.011%); highest among the groups gnomAD compares: African/African-American, 0.13%; no homozygotes.

Submissions (3):

Labcorp Genetics (formerly Invitae), Labcorp
Classification: Likely benign for Centromeric instability of chromosomes 1,9 and 16 and immunodeficiency. Last evaluated: 2026-01-27. Review status: criteria provided, single submitter. Criteria: Invitae Variant Classification Sherloc (09022015). Collection method: clinical testing. Allele origin: germline.

Blueprint Genetics
Classification: Likely benign. Last evaluated: 2023-05-04. Review status: criteria provided, single submitter. Criteria: ACMG Guidelines, 2015. Collection method: clinical testing. Allele origin: germline.

PreventionGenetics, part of Exact Sciences
Classification: Likely benign for DNMT3B-related condition. Last evaluated: 2020-01-06. Review status: no assertion criteria provided. Collection method: clinical testing. Allele origin: germline. Not counted in ClinVar's aggregate classification.
Comment: This variant is classified as likely benign based on ACMG/AMP sequence variant interpretation guidelines (Richards et al. 2015 PMID: 25741868, with internal and published modifications).